The following is an entry in ClinVar:

NM_000094.4(COL7A1):c.2446C>G (p.Pro816Ala)

Gene: COL7A1 (collagen type VII alpha 1 chain; minus strand). Cytogenetic location: 3p21.31.
Variant type: single nucleotide variant.
Coding change: c.2446C>G on transcript NM_000094.4 (MANE Select); coding-DNA position 2446, C replaced by G.
Protein change: p.Pro816Ala; replaces proline 816 with alanine.
Molecular consequence: missense variant.
Genome position (GRCh38, 1-based): chr3:48,588,783, G>C on the plus strand (C>G on the coding strand, the complement: COL7A1 is on the minus strand). VCF-style: chr3-48588783-G-C. GRCh37 (hg19) VCF-style: chr3-48626216-G-C.
Other names: c.2446C>G (NM_000094.3); short protein forms P816A.
Identifiers: ClinVar variation 1354935 (VCV001354935.8), dbSNP rs200336324, ClinGen allele CA73987845.

ClinVar aggregate classification (germline): Uncertain significance. Review status: criteria provided, multiple submitters, no conflicts (2 of 4 stars). 2 submissions from 2 submitters: Uncertain significance (2). Last evaluated 2024-05-23.

Conditions:
Inborn genetic diseases. Identifiers: MedGen C0950123, MeSH D030342.

Allele frequency attached by ClinVar (database versions not stated): gnomAD 0.00001; gnomAD exomes 0.00001.
gnomAD v4.1: 8 of 1,613,736 alleles (0.0005%); highest among the groups gnomAD compares: Admixed American, 0.0083%; no homozygotes.

Submissions (2):

Labcorp Genetics (formerly Invitae), Labcorp
Classification: Uncertain significance. Last evaluated: 2024-05-23. Review status: criteria provided, single submitter. Criteria: Invitae Variant Classification Sherloc (09022015). Collection method: clinical testing. Allele origin: germline.
Comment: This sequence change replaces proline, which is neutral and non-polar, with alanine, which is neutral and non-polar, at codon 816 of the COL7A1 protein (p.Pro816Ala). This variant is present in population databases (rs200336324, gnomAD 0.006%). This variant has not been reported in the literature in individuals affected with COL7A1-related conditions. ClinVar contains an entry for this variant (Variation ID: 1354935). Advanced modeling of protein sequence and biophysical properties (such as structural, functional, and spatial information, amino acid conservation, physicochemical variation, residue mobility, and thermodynamic stability) performed at Invitae indicates that this missense variant is not expected to disrupt COL7A1 protein function with a negative predictive value of 95%. In summary, the available evidence is currently insufficient to determine the role of this variant in disease. Therefore, it has been classified as a Variant of Uncertain Significance.

Ambry Genetics
Classification: Uncertain significance for Inborn genetic diseases. Last evaluated: 2023-11-06. Review status: criteria provided, single submitter. Criteria: Ambry Variant Classification Scheme 2023. Collection method: clinical testing. Allele origin: germline.